The following is an entry in ClinVar:

ClinVar aggregate classification (germline): Benign/Likely benign. Review status: criteria provided, multiple submitters, no conflicts (2 of 4 stars). 2 submissions from 2 submitters: Benign (1); Likely benign (1). Last evaluated 2018-09-22.

Conditions:
Acyl-CoA dehydrogenase 9 deficiency. Also called: Acyl-CoA dehydrogenase family, member 9, deficiency of; MITOCHONDRIAL COMPLEX I DEFICIENCY, NUCLEAR TYPE 20. Identifiers: Orphanet 99901, MedGen C4747517, MONDO:0012624, OMIM 611126.

Allele frequency attached by ClinVar (database versions not stated): gnomAD 0.00009 and 0.00080; ESP Exome Variant Server 0.00015; TOPMed 0.00024; gnomAD exomes 0.00133 and 0.00258; ExAC 0.00277; 1000 Genomes Project 0.00499.
gnomAD v4.1: 2,023 of 1,582,752 alleles (0.13%); highest among the groups gnomAD compares: South Asian, 2%; 38 homozygotes.

Submissions (2):

GeneDx
Classification: Likely benign. Last evaluated: 2018-09-22. Review status: criteria provided, single submitter. Criteria: GeneDx Variant Classification Process June 2021. Collection method: clinical testing. Allele origin: germline. Affected: yes.

Illumina Laboratory Services, Illumina
Classification: Benign for Acyl-CoA dehydrogenase 9 deficiency. Last evaluated: 2018-01-12. Review status: criteria provided, single submitter. Criteria: ICSL Variant Classification Criteria 13 December 2019. Collection method: clinical testing. Allele origin: germline.
Comment: This variant was observed in the ICSL laboratory as part of a predisposition screen in an ostensibly healthy population. It had not been previously curated by ICSL or reported in the Human Gene Mutation Database (HGMD: prior to June 1st, 2018), and was therefore a candidate for classification through an automated scoring system. Utilizing variant allele frequency, disease prevalence and penetrance estimates, and inheritance mode, an automated score was calculated to assess if this variant is too frequent to cause the disease. Based on the score and internal cut-off values, a variant classified as benign is not then subjected to further curation. The score for this variant resulted in a classification of benign for this disease.

NM_014049.5(ACAD9):c.*26C>T

Genes: CFAP92 (cilia and flagella associated protein 92 (putative); minus strand), ACAD9 (acyl-CoA dehydrogenase family member 9; plus strand). Cytogenetic location: 3q21.3.
Variant type: single nucleotide variant.
Coding change: c.*26C>T on transcript NM_014049.5 (MANE Select); 26 bases downstream of the stop codon, C replaced by T.
Molecular consequence: 3 prime UTR variant. On other transcripts: non-coding transcript variant (1), intron variant (3).
Genome position (GRCh38, 1-based): chr3:128,912,633, C>T. VCF-style: chr3-128912633-C-T. GRCh37 (hg19) VCF-style: chr3-128631476-C-T.
Other names: c.*26C>T (NM_001410805.1); c.2312-2300G>A (NM_001348521.2); c.2408-2300G>A (NM_001348520.2); c.3281-2300G>A (NM_001394090.1).
Identifiers: ClinVar variation 343208 (VCV000343208.8), dbSNP rs373417322, ClinGen allele CA2601747.